The following is an entry in ClinVar:

ClinVar aggregate classification (germline): Uncertain significance (1 of 4 stars; one submission).

Allele frequency attached by ClinVar (database versions not stated): gnomAD exomes below 0.00001; TOPMed below 0.00001; ExAC 0.00002; gnomAD 0.00003; 1000 Genomes Project 0.00020; 1000 Genomes Project 30x 0.00031.
gnomAD v4.1: 10 of 1,614,004 alleles (0.00062%); highest among the groups gnomAD compares: African/African-American, 0.012%; no homozygotes.

Submission:

Labcorp Genetics (formerly Invitae), Labcorp
Classification: Uncertain significance. Last evaluated: 2023-07-31. Review status: criteria provided, single submitter. Criteria: Invitae Variant Classification Sherloc (09022015). Collection method: clinical testing. Allele origin: germline.
Comment: This sequence change falls in intron 45 of the FLNB gene. It does not directly change the encoded amino acid sequence of the FLNB protein. In summary, the available evidence is currently insufficient to determine the role of this variant in disease. Therefore, it has been classified as a Variant of Uncertain Significance. Algorithms developed to predict the effect of sequence changes on RNA splicing suggest that this variant may create or strengthen a splice site. This variant has not been reported in the literature in individuals affected with FLNB-related conditions. This variant is present in population databases (rs550698004, gnomAD 0.02%).

NM_001457.4(FLNB):c.7622-10T>C

Genes: FLNB (filamin B; plus strand), FLNB-AS1 (FLNB antisense RNA 1; minus strand). Cytogenetic location: 3p14.3.
Variant type: single nucleotide variant.
Coding change: c.7622-10T>C on transcript NM_001457.4 (MANE Select); 10 bases into the intron before coding-DNA position 7622, T replaced by C.
Molecular consequence: intron variant. On other transcripts: non-coding transcript variant (1).
Genome position (GRCh38, 1-based): chr3:58,170,565, T>C. VCF-style: chr3-58170565-T-C. GRCh37 (hg19) VCF-style: chr3-58156292-T-C.
Other names: c.7715-10T>C (NM_001164317.2); c.7589-10T>C (NM_001164318.2); c.7550-10T>C (NM_001164319.2).
Identifiers: ClinVar variation 2878576 (VCV002878576.3), dbSNP rs550698004, ClinGen allele CA2469751.
Genomic context (GRCh38, chr3:58,170,565, plus strand): 5'-CTCATATTTCCTCTTCTTCCTGTGCCTGTCCTGATGCATCCGGGTGGAGTAACCACCTTT[T>C]GCCTCCTAGGCTCCAACATGCTGCTGATCGGGGTCCATGGGCCCACCACCCCCTGCGAGG-3'